The following is an entry in ClinVar:

NM_018699.4(PRDM5):c.1360G>A (p.Val454Ile)

Gene: PRDM5 (PR/SET domain 5; minus strand). Cytogenetic location: 4q27.
Variant type: single nucleotide variant.
Coding change: c.1360G>A on transcript NM_018699.4 (MANE Select); coding-DNA position 1360, G replaced by A.
Protein change: p.Val454Ile; replaces valine 454 with isoleucine.
Molecular consequence: missense variant.
Genome position (GRCh38, 1-based): chr4:120,781,226, C>T on the plus strand (G>A on the coding strand, the complement: PRDM5 is on the minus strand). VCF-style: chr4-120781226-C-T. GRCh37 (hg19) VCF-style: chr4-121702381-C-T.
Other names: c.1267G>A, p.Val423Ile (NM_001300823.2, NM_001300824.2, NM_001379106.1); c.1393G>A, p.Val465Ile (NM_001379104.1); short protein forms V423I, V454I, V465I.
Identifiers: ClinVar variation 2626692 (VCV002626692.2), dbSNP rs909511489, ClinGen allele CA105117597.

ClinVar aggregate classification (germline): Uncertain significance (1 of 4 stars; one submission).

Conditions:
Cardiovascular phenotype. Identifiers: MedGen CN230736.

gnomAD v4.1: 10 of 1,613,058 alleles (0.00062%); highest among the groups gnomAD compares: African/African-American, 0.0013%; no homozygotes.

Submission:

Ambry Genetics
Classification: Uncertain significance for Cardiovascular phenotype. Last evaluated: 2023-09-10. Review status: criteria provided, single submitter. Criteria: Ambry Variant Classification Scheme 2023. Collection method: clinical testing. Allele origin: germline.
Comment: The p.V454I variant (also known as c.1360G>A), located in coding exon 12 of the PRDM5 gene, results from a G to A substitution at nucleotide position 1360. The valine at codon 454 is replaced by isoleucine, an amino acid with highly similar properties. This amino acid position is conserved. In addition, this alteration is predicted to be tolerated by in silico analysis. Since supporting evidence is limited at this time, the clinical significance of this alteration remains unclear.